The following is an entry in ClinVar:

NM_014251.3(SLC25A13):c.1420G>A (p.Val474Met)

Gene: SLC25A13 (solute carrier family 25 member 13; minus strand). Cytogenetic location: 7q21.3.
Variant type: single nucleotide variant.
Coding change: c.1420G>A on transcript NM_014251.3 (MANE Select); coding-DNA position 1420, G replaced by A.
Protein change: p.Val474Met; replaces valine 474 with methionine.
Molecular consequence: missense variant. On other transcripts: non-coding transcript variant (1).
Genome position (GRCh38, 1-based): chr7:96,146,588, C>T on the plus strand (G>A on the coding strand, the complement: SLC25A13 is on the minus strand). VCF-style: chr7-96146588-C-T. GRCh37 (hg19) VCF-style: chr7-95775900-C-T.
Other names: p.Val474Met; c.1423G>A (NM_001160210.1); c.1423G>A, p.Val475Met (NM_001160210.2); short protein forms V474M, V475M.
Identifiers: ClinVar variation 967116 (VCV000967116.13), dbSNP rs554809009, ClinGen allele CA4352929.
Genomic context (GRCh38, chr7:96,146,588, plus strand): 5'-TAAATGACTAAAAAAAAAAAAAAGTTACCTTGTAGATCCCAAAAAACCCCAGGTCCCGCA[C>T]GACAGACAGAGCACTGACTCGAGGACCAGTGGTGATTTCTCCTGCCACTTGCAAACGGAT-3'
Protein context (NP_055066.1, residues 464-484): TGPRVSALSV[Val474Met]RDLGFFGIYK

ClinVar aggregate classification (germline): Uncertain significance. Review status: criteria provided, multiple submitters, no conflicts (2 of 4 stars). 8 submissions from 7 submitters: Uncertain significance (7). 1 of the submissions does not count toward it. Last evaluated 2025-06-02.

Conditions:
Citrullinemia, type II, adult-onset (CDAA). Also called: CITRIN DEFICIENCY, ADOLESCENT OR ADULT ONSET. Identifiers: Orphanet 247585, MedGen CN295299, MONDO:0011326, OMIM 603471.
Citrullinemia. Identifiers: Orphanet 187, MedGen C0175683, MONDO:0015991.
Neonatal intrahepatic cholestasis due to citrin deficiency (CDNI). Also called: Neonatal-onset citrullinemia type II; Neonatal-onset citrullinemia type 2; CITRIN DEFICIENCY, NEONATAL OR INFANTILE ONSET; Neonatal Intrahepatic Cholestasis Caused by Citrin Deficiency (NICCD). Identifiers: Orphanet 247598, MedGen C1853942, MONDO:0011601, OMIM 605814.
Citrin deficiency. Identifiers: Orphanet 247582, MedGen C1997910, MONDO:0016602.

Allele frequency attached by ClinVar (database versions not stated): TOPMed 0.00005; 1000 Genomes Project 0.00020; 1000 Genomes Project 30x 0.00016.
gnomAD v4.1: 79 of 1,613,210 alleles (0.0049%); highest among the groups gnomAD compares: East Asian, 0.02%; 1 homozygote.

Submissions (8):

Mayo Clinic Laboratories, Mayo Clinic
Classification: Uncertain significance. Last evaluated: 2025-06-02. Review status: criteria provided, single submitter. Criteria: ACMG Guidelines, 2015. Collection method: clinical testing. Allele origin: germline. Observed: 1 variant allele.

Women's Health and Genetics/Laboratory Corporation of America, LabCorp
Classification: Uncertain significance. Last evaluated: 2024-01-11. Review status: criteria provided, single submitter. Criteria: LabCorp Variant Classification Summary - May 2015. Collection method: clinical testing. Allele origin: germline.
Comment: Variant summary: SLC25A13 c.1420G>A (p.Val474Met) results in a conservative amino acid change in the encoded protein sequence. Four of five in-silico tools predict a benign effect of the variant on protein function. The variant allele was found at a frequency of 0.0001 in 251460 control chromosomes. This frequency is not significantly higher than estimated for a pathogenic variant in SLC25A13 causing Citrullinemia Type II (0.0001 vs 0.0035), allowing no conclusion about variant significance. To our knowledge, no occurrence of c.1420G>A in individuals affected with Citrullinemia Type II has been reported. At least one publication reports experimental evidence evaluating an impact on protein function (Zhang_2014). The most pronounced variant effect results in 30%-50% of normal activity in an in vitro yeast model. The following publication has been ascertained in the context of this evaluation (PMID: 25110155). ClinVar contains an entry for this variant (Variation ID: 967116). Based on the evidence outlined above, the variant was classified as VUS-possibly pathogenic.

Labcorp Genetics (formerly Invitae), Labcorp
Classification: Uncertain significance for Citrin deficiency. Last evaluated: 2022-07-24. Review status: criteria provided, single submitter. Criteria: Invitae Variant Classification Sherloc (09022015). Collection method: clinical testing. Allele origin: germline.
Comment: This sequence change replaces valine, which is neutral and non-polar, with methionine, which is neutral and non-polar, at codon 474 of the SLC25A13 protein (p.Val474Met). This variant is present in population databases (rs554809009, gnomAD 0.03%). This variant has not been reported in the literature in individuals affected with SLC25A13-related conditions. ClinVar contains an entry for this variant (Variation ID: 967116). Advanced modeling of protein sequence and biophysical properties (such as structural, functional, and spatial information, amino acid conservation, physicochemical variation, residue mobility, and thermodynamic stability) performed at Invitae indicates that this missense variant is not expected to disrupt SLC25A13 protein function. Experimental studies have shown that this missense change affects SLC25A13 function (PMID: 25110155). In summary, the available evidence is currently insufficient to determine the role of this variant in disease. Therefore, it has been classified as a Variant of Uncertain Significance.

Mendelics
Classification: Uncertain significance. Last evaluated: 2022-05-04. Review status: criteria provided, single submitter. Criteria: Mendelics Assertion Criteria 2019. Collection method: clinical testing. Allele origin: germline.

Institute for Clinical Genetics, University Hospital TU Dresden, University Hospital TU Dresden
Classification: Uncertain significance. Last evaluated: 2021-11-03. Review status: criteria provided, single submitter. Criteria: ACMG Guidelines, 2015. Collection method: clinical testing. Allele origin: germline.

Genome-Nilou Lab
Classification: Uncertain significance for Citrullinemia, type II, adult-onset. Last evaluated: 2021-07-22. Review status: criteria provided, single submitter. Criteria: ACMG Guidelines, 2015. Collection method: clinical testing. Allele origin: germline. Affected: no.

Genome-Nilou Lab
Classification: Uncertain significance for Neonatal intrahepatic cholestasis due to citrin deficiency. Last evaluated: 2021-07-22. Review status: criteria provided, single submitter. Criteria: ACMG Guidelines, 2015. Collection method: clinical testing. Allele origin: germline. Affected: no.

Natera, Inc.
Classification: Uncertain significance for Citrullinemia. Last evaluated: 2020-03-19. Review status: no assertion criteria provided. Collection method: clinical testing. Allele origin: germline. Not counted in ClinVar's aggregate classification.

Literature cited by the submitters: PubMed 25110155 (cited by 3 submitters); PubMed 38503330 (cited by Mayo Clinic Laboratories, Mayo Clinic).